The following is an entry in ClinVar:

NM_000535.7(PMS2):c.448_449delinsTG (p.Pro150Cys)

Gene: PMS2 (PMS1 homolog 2, mismatch repair system component; minus strand). Cytogenetic location: 7p22.1.
Variant type: Indel.
Coding change: c.448_449delinsTG on transcript NM_000535.7 (MANE Select); coding-DNA positions 448 to 449, CC replaced by TG.
Protein change: p.Pro150Cys; replaces proline 150 with cysteine.
Molecular consequence: missense variant. On other transcripts: 5 prime UTR variant (2), non-coding transcript variant (1), intron variant (1).
Genome position (GRCh38, 1-based): chr7:6,002,541-6,002,542, GG replaced by CA on the plus strand (CC replaced by TG on the coding strand, the reverse complement: PMS2 is on the minus strand). VCF-style: chr7-6002541-GG-CA. GRCh37 (hg19) VCF-style: chr7-6042172-GG-CA.
Other names: c.43_44delinsTG, p.Pro15Cys (NM_001322003.2, NM_001322004.2, NM_001322005.2 and 24 more transcripts); c.448_449delinsTG, p.Pro150Cys (NM_001322006.2, NM_001322014.2, NM_001406869.1 and 8 more transcripts); c.130_131delinsTG, p.Pro44Cys (NM_001322007.2, NM_001322008.2, NM_001406876.1 and 4 more transcripts); c.-437_-436delinsTG (NM_001322011.2, NM_001322012.2); c.139_140delinsTG, p.Pro47Cys (NM_001322015.2, NM_001406875.1, NM_001406877.1 and 6 more transcripts); c.634_635delinsTG, p.Pro212Cys (NM_001406866.1); c.472_473delinsTG, p.Pro158Cys (NM_001406868.1); c.250+1430_250+1431delinsTG (NM_001406885.1); short protein forms P44C, P150C, P158C, P212C, P15C, P47C.
Identifiers: ClinVar variation 4718572 (VCV004718572.1).

ClinVar aggregate classification (germline): Uncertain significance (1 of 4 stars; one submission).

Conditions:
Hereditary nonpolyposis colorectal neoplasms. Identifiers: MedGen C0009405, MeSH D003123.

Submission:

Labcorp Genetics (formerly Invitae), Labcorp
Classification: Uncertain significance for Hereditary nonpolyposis colorectal neoplasms. Last evaluated: 2025-04-29. Review status: criteria provided, single submitter. Criteria: Invitae Variant Classification Sherloc (09022015). Collection method: clinical testing. Allele origin: germline.
Comment: This sequence change replaces proline, which is neutral and non-polar, with cysteine, which is neutral and slightly polar, at codon 150 of the PMS2 protein (p.Pro150Cys). Information on the frequency of this variant in the gnomAD database is not available, as this variant may be reported differently in the database. This variant has not been reported in the literature in individuals affected with PMS2-related conditions. An algorithm developed to predict the effect of missense changes on protein structure and function (PolyPhen-2) suggests that this variant is likely to be disruptive. In summary, the available evidence is currently insufficient to determine the role of this variant in disease. Therefore, it has been classified as a Variant of Uncertain Significance.